The following is an entry in ClinVar:

NM_001846.4(COL4A2):c.487G>T (p.Gly163Ter)

Gene: COL4A2 (collagen type IV alpha 2 chain; plus strand). Cytogenetic location: 13q34.
Variant type: single nucleotide variant.
Coding change: c.487G>T on transcript NM_001846.4 (MANE Select); coding-DNA position 487, G replaced by T.
Protein change: p.Gly163Ter; replaces glycine 163 with a stop codon.
Molecular consequence: nonsense.
Genome position (GRCh38, 1-based): chr13:110,429,894, G>T. VCF-style: chr13-110429894-G-T. GRCh37 (hg19) VCF-style: chr13-111082241-G-T.
Other names: c.487G>T (NM_001846.2); short protein forms G163*.
Identifiers: ClinVar variation 2035883 (VCV002035883.5), dbSNP rs1880611671, ClinGen allele CA388729775.

ClinVar aggregate classification (germline): Conflicting classifications of pathogenicity. Review status: criteria provided, conflicting classifications (1 of 4 stars). 2 submissions from 2 submitters: Pathogenic (1); Uncertain significance (1). Last evaluated 2024-12-26.

Allele frequency attached by ClinVar (database versions not stated): TOPMed below 0.00001.

Submissions (2):

GeneDx
Classification: Uncertain significance. Last evaluated: 2024-12-26. Review status: criteria provided, single submitter. Criteria: GeneDx Variant Classification Process June 2021. Collection method: clinical testing. Allele origin: germline. Affected: yes.
Comment: Not observed at significant frequency in large population cohorts (gnomAD); Nonsense variant predicted to result in protein truncation or nonsense mediated decay in a gene or region of a gene for which loss of function is not a well-established mechanism of disease; Has not been previously published as pathogenic or benign to our knowledge

Labcorp Genetics (formerly Invitae), Labcorp
Classification: Pathogenic. Last evaluated: 2022-10-23. Review status: criteria provided, single submitter. Criteria: Invitae Variant Classification Sherloc (09022015). Collection method: clinical testing. Allele origin: germline.
Comment: For these reasons, this variant has been classified as Pathogenic. Algorithms developed to predict the effect of sequence changes on RNA splicing suggest that this variant may disrupt the consensus splice site. This variant has not been reported in the literature in individuals affected with COL4A2-related conditions. This variant is not present in population databases (gnomAD no frequency). This sequence change creates a premature translational stop signal (p.Gly163*) in the COL4A2 gene. It is expected to result in an absent or disrupted protein product. Loss-of-function variants in COL4A2 are known to be pathogenic (PMID: 22333902, 30315939).

Literature cited by the submitters: PubMed 22333902 (cited by Labcorp Genetics (formerly Invitae), Labcorp); PubMed 30315939 (cited by Labcorp Genetics (formerly Invitae), Labcorp).